The following is an entry in ClinVar:

ClinVar aggregate classification (germline): Uncertain significance. Review status: criteria provided, multiple submitters, no conflicts (2 of 4 stars). 3 submissions from 3 submitters: Uncertain significance (3). Last evaluated 2025-02-03.

Conditions:
Hereditary cancer-predisposing syndrome. Also called: Tumor predisposition; Hereditary neoplastic syndrome; Neoplastic Syndromes, Hereditary; Hereditary Cancer Syndrome. Identifiers: Orphanet 140162, MedGen C0027672, MeSH D009386, MONDO:0015356.
Carney complex, type 1 (CNC1). Also called: CARNEY COMPLEX, TYPE I; CARNEY MYXOMA-ENDOCRINE COMPLEX. Identifiers: Orphanet 1359, MedGen C2607929, MONDO:0008057, OMIM 160980.

Allele frequency attached by ClinVar (database versions not stated): gnomAD exomes below 0.00001; gnomAD 0.00001.
gnomAD v4.1: 2 of 1,613,214 alleles (0.00012%); highest among the groups gnomAD compares: Non-Finnish European, 0.00017%; no homozygotes.

Submissions (3):

Women's Health and Genetics/Laboratory Corporation of America, LabCorp
Classification: Uncertain significance. Last evaluated: 2025-02-03. Review status: criteria provided, single submitter. Criteria: LabCorp Variant Classification Summary - May 2015. Collection method: clinical testing. Allele origin: germline.
Comment: Variant summary: PRKAR1A c.13A>G (p.Ser5Gly) results in a non-conservative amino acid change in the encoded protein sequence. Three of five in-silico tools predict a benign effect of the variant on protein function. The variant was absent in 251410 control chromosomes. The available data on variant occurrences in the general population are insufficient to allow any conclusion about variant significance. To our knowledge, no occurrence of c.13A>G in individuals affected with Lentigenes Atrial Myxomas Blue Nevi and no experimental evidence demonstrating its impact on protein function have been reported. ClinVar contains an entry for this variant (Variation ID: 819119). Based on the evidence outlined above, the variant was classified as uncertain significance.

Ambry Genetics
Classification: Uncertain significance for Hereditary cancer-predisposing syndrome. Last evaluated: 2024-09-11. Review status: criteria provided, single submitter. Criteria: Ambry Variant Classification Scheme 2023. Collection method: clinical testing. Allele origin: germline.
Comment: The p.S5G variant (also known as c.13A>G), located in coding exon 1 of the PRKAR1A gene, results from an A to G substitution at nucleotide position 13. The serine at codon 5 is replaced by glycine, an amino acid with similar properties. This amino acid position is well conserved in available vertebrate species. In addition, the in silico prediction for this alteration is inconclusive. Based on the available evidence, the clinical significance of this variant remains unclear.

Labcorp Genetics (formerly Invitae), Labcorp
Classification: Uncertain significance for Carney complex, type 1. Last evaluated: 2024-08-13. Review status: criteria provided, single submitter. Criteria: Invitae Variant Classification Sherloc (09022015). Collection method: clinical testing. Allele origin: germline.
Comment: This sequence change replaces serine, which is neutral and polar, with glycine, which is neutral and non-polar, at codon 5 of the PRKAR1A protein (p.Ser5Gly). This variant is not present in population databases (gnomAD no frequency). This variant has not been reported in the literature in individuals affected with PRKAR1A-related conditions. ClinVar contains an entry for this variant (Variation ID: 819119). An algorithm developed to predict the effect of missense changes on protein structure and function (PolyPhen-2) suggests that this variant is likely to be tolerated. In summary, the available evidence is currently insufficient to determine the role of this variant in disease. Therefore, it has been classified as a Variant of Uncertain Significance.

NM_002734.5(PRKAR1A):c.13A>G (p.Ser5Gly)

Gene: PRKAR1A (protein kinase cAMP-dependent type I regulatory subunit alpha; plus strand). Cytogenetic location: 17q24.2.
Variant type: single nucleotide variant.
Coding change: c.13A>G on transcript NM_002734.5 (MANE Select); coding-DNA position 13, A replaced by G.
Protein change: p.Ser5Gly; replaces serine 5 with glycine.
Molecular consequence: missense variant.
Genome position (GRCh38, 1-based): chr17:68,515,412, A>G. VCF-style: chr17-68515412-A-G. GRCh37 (hg19) VCF-style: chr17-66511553-A-G.
Other names: c.13A>G, p.Ser5Gly (NM_001276289.2, NM_001276290.1, NM_001278433.2 and 4 more transcripts); short protein forms S5G.
Identifiers: ClinVar variation 819119 (VCV000819119.9), dbSNP rs1600461789, ClinGen allele CA400751780.
Genomic context (GRCh38, chr17:68,515,412, plus strand): 5'-CTTTATAGTTTATACAAGCATGTGTGTGTTTTTTTCTCGCAGAGAACCATGGAGTCTGGC[A>G]GTACCGCCGCCAGTGAGGAGGCACGCAGCCTTCGAGAATGTGAGCTCTACGTCCAGAAGC-3'
Protein context (NP_002725.1, residues 1-15): MESG[Ser5Gly]TAASEEARSL